The following is an entry in ClinVar:

NM_199242.3(UNC13D):c.178C>T (p.Leu60Phe)

Gene: UNC13D (unc-13 homolog D; minus strand). Cytogenetic location: 17q25.1.
Variant type: single nucleotide variant.
Coding change: c.178C>T on transcript NM_199242.3 (MANE Select); coding-DNA position 178, C replaced by T.
Protein change: p.Leu60Phe; replaces leucine 60 with phenylalanine.
Molecular consequence: missense variant.
Genome position (GRCh38, 1-based): chr17:75,843,242, G>A on the plus strand (C>T on the coding strand, the complement: UNC13D is on the minus strand). VCF-style: chr17-75843242-G-A. GRCh37 (hg19) VCF-style: chr17-73839323-G-A.
Other names: short protein forms L60F.
Identifiers: ClinVar variation 2133631 (VCV002133631.4), dbSNP rs2545988116, ClinGen allele CA401117530.

ClinVar aggregate classification (germline): Uncertain significance (1 of 4 stars; one submission).

Conditions:
Familial hemophagocytic lymphohistiocytosis 3 (FHL3). Also called: UNC13D-Related Familial Hemophagocytic Lymphohistiocytosis (UNC13D-fHLH). Identifiers: Orphanet 540, MedGen C1837174, MONDO:0012146, OMIM 608898.

Submission:

Labcorp Genetics (formerly Invitae), Labcorp
Classification: Uncertain significance for Familial hemophagocytic lymphohistiocytosis 3. Last evaluated: 2024-03-11. Review status: criteria provided, single submitter. Criteria: Invitae Variant Classification Sherloc (09022015). Collection method: clinical testing. Allele origin: germline.
Comment: This sequence change replaces leucine, which is neutral and non-polar, with phenylalanine, which is neutral and non-polar, at codon 60 of the UNC13D protein (p.Leu60Phe). This variant is not present in population databases (gnomAD no frequency). This variant has not been reported in the literature in individuals affected with UNC13D-related conditions. ClinVar contains an entry for this variant (Variation ID: 2133631). Advanced modeling of protein sequence and biophysical properties (such as structural, functional, and spatial information, amino acid conservation, physicochemical variation, residue mobility, and thermodynamic stability) performed at Invitae indicates that this missense variant is expected to disrupt UNC13D protein function with a positive predictive value of 80%. In summary, the available evidence is currently insufficient to determine the role of this variant in disease. Therefore, it has been classified as a Variant of Uncertain Significance.